The following is an entry in ClinVar:

NM_080732.4(EGLN2):c.817A>C (p.Ser273Arg)

Genes: EGLN2 (egl-9 family hypoxia inducible factor 2; plus strand), RAB4B-EGLN2 (RAB4B-EGLN2 readthrough (NMD candidate); plus strand). Cytogenetic location: 19q13.2.
Variant type: single nucleotide variant.
Coding change: c.817A>C on transcript NM_080732.4 (MANE Select); coding-DNA position 817, A replaced by C.
Protein change: p.Ser273Arg; replaces serine 273 with arginine.
Molecular consequence: missense variant. On other transcripts: non-coding transcript variant (1).
Genome position (GRCh38, 1-based): chr19:40,801,389, A>C. VCF-style: chr19-40801389-A-C. GRCh37 (hg19) VCF-style: chr19-41307294-A-C.
Other names: c.817A>C, p.Ser273Arg (NM_053046.4); short protein forms S273R.
Identifiers: ClinVar variation 1762300 (VCV001762300.2), dbSNP rs2515995768, ClinGen allele CA405956030.

ClinVar aggregate classification (germline): Uncertain significance (1 of 4 stars; one submission).

Submission:

Ambry Genetics
Classification: Uncertain significance. Last evaluated: 2021-12-11. Review status: criteria provided, single submitter. Criteria: Ambry Variant Classification Scheme 2023. Collection method: clinical testing. Allele origin: germline.
Comment: The p.S273R variant (also known as c.817A>C), located in coding exon 1 of the EGLN2 gene, results from an A to C substitution at nucleotide position 817. The serine at codon 273 is replaced by arginine, an amino acid with dissimilar properties. This amino acid position is conserved. In addition, this alteration is predicted to be tolerated by in silico analysis. Since supporting evidence is limited at this time, the clinical significance of this alteration remains unclear.